The following is an entry in ClinVar:

NM_000202.8(IDS):c.12_13del (p.Arg5fs)

Genes: IDS (iduronate 2-sulfatase; minus strand), LOC130068781 (ATAC-STARR-seq lymphoblastoid active region 30015; plus strand). Cytogenetic location: Xq28.
Variant type: Deletion.
Coding change: c.12_13del on transcript NM_000202.8 (MANE Select); coding-DNA positions 12 to 13, 2 bases deleted (CC; older notation c.12_13delCC).
Protein change: p.Arg5fs; shifts the reading frame from arginine 5.
Molecular consequence: frameshift variant. On other transcripts: 5 prime UTR variant (1), non-coding transcript variant (1).
Genome position (GRCh38, 1-based): chrX:149,505,125-149,505,126, GG deleted on the plus strand (CC on the coding strand, the reverse complement: IDS is on the minus strand); deleting any 2 consecutive bases within chrX:149,505,125-149,505,128 gives the same sequence; the c. name uses the placement nearest the transcript's 3' end. VCF-style (leftmost placement, unchanged base first): chrX-149505124-CGG-C. GRCh37 (hg19) VCF-style: chrX-148586654-CGG-C.
Other names: c.-215_-214del (NM_001166550.4); c.12_13del, p.Arg5fs (NM_006123.5); short protein forms R5fs.
Identifiers: ClinVar variation 3255773 (VCV003255773.2).

ClinVar aggregate classification (germline): Pathogenic (1 of 4 stars; one submission).

Conditions:
Mucopolysaccharidosis, MPS-II (MPS2). Also called: Hunter Syndrome; IDURONATE 2-SULFATASE DEFICIENCY; Mucopolysaccharidosis Type II; Mucopolysaccharidosis type 2; Attenuated MPS (subtype; formerly known as mild MPS II); Severe MPS II. Identifiers: Orphanet 580, Orphanet 79388, MedGen C0026705, MONDO:0010674, OMIM 309900.

Submission:

Laboratory of Diagnosis and Therapy of Lysosomal Disorders, University of Padova
Classification: Pathogenic for Mucopolysaccharidosis, MPS-II. Last evaluated: 2024-06-07. Review status: criteria provided, single submitter. Criteria: ACMG Guidelines, 2015. Collection method: literature only. Allele origin: germline. Affected: yes. Observed: 2 variant alleles.
Comment: Null variant (PVS1_VeryStrong), Absent from controls (or at low frequency) in gnomAD database (PM2_Moderate), Patient’s phenotype or family history highly specific for the disease (PP4_Moderate)

Classification method: ACMG Guidelines [PMID:25741868] with modifications

Literature cited by the submitters: PubMed 34670126.